The following is an entry in ClinVar:

NM_001164508.2(NEB):c.13268del (p.Leu4423fs)

Gene: NEB (nebulin; minus strand). Cytogenetic location: 2q23.3.
Variant type: Deletion.
Coding change: c.13268del on transcript NM_001164508.2 (MANE Select); coding-DNA position 13268, one base deleted (T; older notation c.13268delT).
Protein change: p.Leu4423fs; shifts the reading frame from leucine 4423.
Molecular consequence: frameshift variant. On other transcripts: intron variant (1).
Genome position (GRCh38, 1-based): chr2:151,602,687, A deleted on the plus strand (T on the coding strand, the reverse complement: NEB is on the minus strand); the first of 2 consecutive A bases (chr2:151,602,687-151,602,688); deleting either gives the same sequence. VCF-style (leftmost placement, unchanged base first): chr2-151602686-CA-C. GRCh37 (hg19) VCF-style: chr2-152459200-CA-C.
Other names: c.13268delT (NM_001271208.1); c.13268del, p.Leu4423fs (NM_001164507.2, NM_001271208.2); c.11601+7122del (NM_004543.5); short protein forms L4423fs.
Identifiers: ClinVar variation 4814722 (VCV004814722.1).

ClinVar aggregate classification (germline): Likely pathogenic (1 of 4 stars; one submission).

Conditions:
Nemaline myopathy 2 (NEM2). Also called: Nemaline myopathy 2, autosomal recessive. Identifiers: MedGen C1850569, MONDO:0009725, OMIM 256030.

Submission:

Natera, Inc.
Classification: Likely pathogenic for Nemaline myopathy type 2. Last evaluated: 2024-03-11. Review status: criteria provided, single submitter. Criteria: Natera Variant Classification Schema (03/2026). Collection method: clinical testing. Allele origin: germline.
Comment: The c.13268delT variant in NEB is a frameshift variant predicted to shift the reading frame beginning at codon 4423 and leads to a stop codon 13 codons downstream. This variant is expected to result in nonsense mediated decay, truncation, or a dysfunctional protein product. This variant is rare in the general population with a frequency below the threshold expected for the associated phenotype(s). Given the available evidence, this variant is classified as Likely Pathogenic.